The following is an entry in ClinVar:

NM_000059.4(BRCA2):c.7956G>A (p.Val2652=)

Gene: BRCA2 (BRCA2 DNA repair associated; plus strand). Cytogenetic location: 13q13.1.
Variant type: single nucleotide variant.
Coding change: c.7956G>A on transcript NM_000059.4 (MANE Select); coding-DNA position 7956, G replaced by A.
Protein change: p.Val2652=; no amino-acid change (valine 2652 retained).
Molecular consequence: synonymous variant.
Genome position (GRCh38, 1-based): chr13:32,362,673, G>A. VCF-style: chr13-32362673-G-A. GRCh37 (hg19) VCF-style: chr13-32936810-G-A.
Identifiers: ClinVar variation 1171455 (VCV001171455.11), dbSNP rs2137577856, ClinGen allele CA483261027.

ClinVar aggregate classification (germline): Conflicting classifications of pathogenicity. Review status: criteria provided, conflicting classifications (1 of 4 stars). 3 submissions from 3 submitters: Uncertain significance (1); Likely benign (2). Last evaluated 2024-01-27.

Conditions:
Hereditary breast ovarian cancer syndrome. Also called: Hereditary breast and ovarian cancer; Hereditary breast and ovarian cancer syndrome; Hereditary breast and/or ovarian cancer syndrome; BRCA1- and BRCA2-Associated Hereditary Breast and Ovarian Cancer; Hereditary breast and ovarian cancer syndrome (HBOC); Breast and ovarian cancer. Identifiers: Orphanet 145, MedGen C0677776, MeSH D061325, MONDO:0003582. Disease mechanism: loss of function.
Hereditary cancer-predisposing syndrome. Also called: Tumor predisposition; Hereditary neoplastic syndrome; Hereditary Cancer Syndrome; Neoplastic Syndromes, Hereditary. Identifiers: Orphanet 140162, MedGen C0027672, MeSH D009386, MONDO:0015356.

Submissions (3):

Ambry Genetics
Classification: Likely benign for Hereditary cancer-predisposing syndrome. Last evaluated: 2024-01-27. Review status: criteria provided, single submitter. Criteria: Ambry Variant Classification Scheme 2023. Collection method: clinical testing. Allele origin: germline.

Labcorp Genetics (formerly Invitae), Labcorp
Classification: Likely benign for Hereditary breast ovarian cancer syndrome. Last evaluated: 2022-08-15. Review status: criteria provided, single submitter. Criteria: Invitae Variant Classification Sherloc (09022015). Collection method: clinical testing. Allele origin: germline.

Color Diagnostics, LLC DBA Color Health
Classification: Uncertain significance for Hereditary cancer-predisposing syndrome. Last evaluated: 2020-07-13. Review status: criteria provided, single submitter. Criteria: ACMG Guidelines, 2015. Collection method: clinical testing. Allele origin: germline.
Comment: This synonymous variant does not change the amino acid sequence of the BRCA2 protein. Splice site prediction tools suggest that this variant activates a cryptic splice donor site that would cause a premature translation termination if used. To our knowledge, functional or RNA studies have not been performed for this variant. This variant has been reported in an individual affected with familial pancreatic cancer (PMID: 25356972). This variant has not been identified in the general population by the Genome Aggregation Database (gnomAD). The available evidence is insufficient to determine the role of this variant in disease conclusively. Therefore, this variant is classified as a Variant of Uncertain Significance.